The following is an entry in ClinVar:

ClinVar aggregate classification (germline): Uncertain significance (1 of 4 stars; one submission).

Conditions:
Inborn genetic diseases. Identifiers: MedGen C0950123, MeSH D030342.

Submission:

Ambry Genetics
Classification: Uncertain significance for Inborn genetic diseases. Last evaluated: 2026-07-06. Review status: criteria provided, single submitter. Criteria: Ambry Variant Classification Scheme 2023. Collection method: clinical testing. Allele origin: germline.
Comment: The p.R210P variant (also known as c.629G>C), located in coding exon 5 of the ETV6 gene, results from a G to C substitution at nucleotide position 629. The arginine at codon 210 is replaced by proline, an amino acid with dissimilar properties. This amino acid position is conserved. In addition, this alteration is predicted to be tolerated by in silico analysis. Based on the available evidence, the clinical significance of this variant remains unclear.

NM_001987.5(ETV6):c.629G>C (p.Arg210Pro)

Gene: ETV6 (ETS variant transcription factor 6; plus strand). Cytogenetic location: 12p13.2.
Variant type: single nucleotide variant.
Coding change: c.629G>C on transcript NM_001987.5 (MANE Select); coding-DNA position 629, G replaced by C.
Protein change: p.Arg210Pro; replaces arginine 210 with proline.
Molecular consequence: missense variant.
Genome position (GRCh38, 1-based): chr12:11,869,589, G>C. VCF-style: chr12-11869589-G-C. GRCh37 (hg19) VCF-style: chr12-12022523-G-C.
Other names: c.626G>C, p.Arg209Pro (NM_001413913.1); c.602G>C, p.Arg201Pro (NM_001413914.1); c.365G>C, p.Arg122Pro (NM_001413915.1); c.629G>C, p.Arg210Pro (NM_001413916.1, NM_001413917.1); short protein forms R209P, R210P, R122P, R201P.
Identifiers: ClinVar variation 5036180 (VCV005036180.1).